The following is an entry in ClinVar:

NM_001330078.2(NRXN1):c.537C>T (p.Pro179=)

Gene: NRXN1 (neurexin 1; minus strand). Cytogenetic location: 2p16.3.
Variant type: single nucleotide variant.
Coding change: c.537C>T on transcript NM_001330078.2 (MANE Select); coding-DNA position 537, C replaced by T.
Protein change: p.Pro179=; no amino-acid change (proline 179 retained).
Molecular consequence: synonymous variant.
Genome position (GRCh38, 1-based): chr2:51,027,737, G>A on the plus strand (C>T on the coding strand, the complement: NRXN1 is on the minus strand). VCF-style: chr2-51027737-G-A. GRCh37 (hg19) VCF-style: chr2-51254875-G-A.
Other names: c.537C>T, p.Pro179= (NM_001135659.3, NM_001330077.2, NM_001330079.2 and 15 more transcripts).
Identifiers: ClinVar variation 507407 (VCV000507407.8), dbSNP rs771019713, ClinGen allele CA1655461.

ClinVar aggregate classification (germline): Likely benign. Review status: criteria provided, multiple submitters, no conflicts (2 of 4 stars). 2 submissions from 2 submitters: Likely benign (2). Last evaluated 2023-04-17.

Conditions:
Pitt-Hopkins-like syndrome 2 (PTHSL2). Identifiers: Orphanet 221150, Orphanet 600663, MedGen C3280479, MONDO:0013690, OMIM 614325.

Allele frequency attached by ClinVar (database versions not stated): ExAC 0.00001; gnomAD 0.00001; gnomAD exomes below 0.00001 and 0.00001; TOPMed 0.00002.
gnomAD v4.1: 3 of 1,611,284 alleles (0.00019%); highest among the groups gnomAD compares: African/African-American, 0.004%; no homozygotes.

Submissions (2):

Labcorp Genetics (formerly Invitae), Labcorp
Classification: Likely benign for Pitt-Hopkins-like syndrome 2. Last evaluated: 2023-04-17. Review status: criteria provided, single submitter. Criteria: Invitae Variant Classification Sherloc (09022015). Collection method: clinical testing. Allele origin: germline.

GeneDx
Classification: Likely benign. Last evaluated: 2017-02-14. Review status: criteria provided, single submitter. Criteria: GeneDx Variant Classification (06012015). Collection method: clinical testing. Allele origin: germline. Affected: yes.
Comment: This variant is considered likely benign or benign based on one or more of the following criteria: it is a conservative change, it occurs at a poorly conserved position in the protein, it is predicted to be benign by multiple in silico algorithms, and/or has population frequency not consistent with disease.